The following is an entry in ClinVar:

ClinVar aggregate classification (germline): Pathogenic. Review status: criteria provided, single submitter (1 of 4 stars). 2 submissions from 2 submitters: Pathogenic (1). 1 of the submissions does not count toward it. Last evaluated 2019-12-29.

Conditions:
Familial adenomatous polyposis 1 (FAP1). Also called: FAMILIAL ADENOMATOUS POLYPOSIS 1, ATTENUATED; POLYPOSIS, ADENOMATOUS INTESTINAL. Identifiers: MedGen C2713442, MONDO:0021056, OMIM 175100. Disease mechanism: loss of function.

Submissions (2):

Labcorp Genetics (formerly Invitae), Labcorp
Classification: Pathogenic for Familial adenomatous polyposis 1. Last evaluated: 2019-12-29. Review status: criteria provided, single submitter. Criteria: Invitae Variant Classification Sherloc (09022015). Collection method: clinical testing. Allele origin: germline.
Comment: For these reasons, this variant has been classified as Pathogenic. A different truncation (p.Tyr2645Lysfs*14) that lies downstream of this variant has been determined to be pathogenic (PMID: 9824584, 1316610, 27081525, 8381579, 22135120, Invitae). This suggests that deletion of this region of the APC protein is causative of disease. This sequence change results in a premature translational stop signal in the APC gene (p.Ser1042Ilefs*14). While this is not anticipated to result in nonsense mediated decay, it is expected to disrupt the last 1802 amino acids of the APC protein. This variant is not present in population databases (ExAC no frequency). This variant has not been reported in the literature in individuals with APC-related conditions. ClinVar contains an entry for this variant (Variation ID: 217961). This variant is expected to disrupt the EB1 and HDLG binding sites, which mediate interactions with the cytoskeleton (PMID: 15311282, 17293347). While functional studies have not been performed to directly test the effect on APC protein function, this suggests that disruption of the C-terminal portion of the protein is functionally important.

Mayo Clinic Laboratories, Mayo Clinic
Classification: Pathogenic. Review status: no assertion criteria provided. Collection method: research. Allele origin: unknown. Observed: 1 variant allele. Not counted in ClinVar's aggregate classification.

Literature cited by the submitters: PubMed 9824584 (cited by Labcorp Genetics (formerly Invitae), Labcorp); PubMed 1316610 (cited by Labcorp Genetics (formerly Invitae), Labcorp); PubMed 27081525 (cited by Labcorp Genetics (formerly Invitae), Labcorp); PubMed 8381579 (cited by Labcorp Genetics (formerly Invitae), Labcorp); PubMed 22135120 (cited by Labcorp Genetics (formerly Invitae), Labcorp); PubMed 15311282 (cited by Labcorp Genetics (formerly Invitae), Labcorp); PubMed 17293347 (cited by Labcorp Genetics (formerly Invitae), Labcorp).

NM_000038.6(APC):c.3125del (p.Ser1042fs)

Gene: APC (APC regulator of Wnt signaling pathway; plus strand). Cytogenetic location: 5q22.2.
Variant type: Deletion.
Coding change: c.3125del on transcript NM_000038.6 (MANE Select); coding-DNA position 3125, one base deleted (G; older notation c.3125delG).
Protein change: p.Ser1042fs; shifts the reading frame from serine 1042.
Molecular consequence: frameshift variant.
Genome position (GRCh38, 1-based): chr5:112,838,719, G deleted. VCF-style (leftmost placement, unchanged base first): chr5-112838718-AG-A. GRCh37 (hg19) VCF-style: chr5-112174415-AG-A.
Other names: c.3125del, p.Ser1042fs (NM_001127510.3, NM_001354895.2); c.3071del, p.Ser1024fs (NM_001127511.3); c.3179del, p.Ser1060fs (NM_001354896.2); c.3155del, p.Ser1052fs (NM_001354897.2); c.3050del, p.Ser1017fs (NM_001354898.2); c.3041del, p.Ser1014fs (NM_001354899.2); c.3002del, p.Ser1001fs (NM_001354900.2); c.2948del, p.Ser983fs (NM_001354901.2); and 6 more; short protein forms S1024fs, S1060fs, S882fs, S951fs, S983fs, S1014fs, S1017fs, S1042fs.
Identifiers: ClinVar variation 217961 (VCV000217961.50), dbSNP rs863225338, ClinGen allele CA279702.